The following is an entry in ClinVar:

NM_001385012.1(NBEA):c.8590C>A (p.Arg2864=)

Gene: NBEA (neurobeachin; plus strand). Cytogenetic location: 13q13.3.
Variant type: single nucleotide variant.
Coding change: c.8590C>A on transcript NM_001385012.1 (MANE Select); coding-DNA position 8590, C replaced by A.
Protein change: p.Arg2864=; no amino-acid change (arginine 2864 retained).
Molecular consequence: synonymous variant.
Genome position (GRCh38, 1-based): chr13:35,667,499, C>A. VCF-style: chr13-35667499-C-A. GRCh37 (hg19) VCF-style: chr13-36241636-C-A.
Other names: c.1906C>A, p.Arg636= (NM_001204197.3); c.8581C>A, p.Arg2861= (NM_001379245.1); c.8527C>A, p.Arg2843= (NM_015678.5).
Identifiers: ClinVar variation 2692583 (VCV002692583.1), dbSNP rs2085416049, ClinGen allele CA483187871.

ClinVar aggregate classification (germline): Uncertain significance (1 of 4 stars; one submission).

Allele frequency attached by ClinVar (database versions not stated): gnomAD 0.00001.
gnomAD v4.1: 1 of 1,613,830 alleles (0.000062%); highest among the groups gnomAD compares: South Asian, 0.0011%; no homozygotes.

Submission:

Greenwood Genetic Center Diagnostic Laboratories, Greenwood Genetic Center
Classification: Uncertain significance. Last evaluated: 2023-10-31. Review status: criteria provided, single submitter. Criteria: ACMG Guidelines, 2015. Collection method: clinical testing. Allele origin: germline. Affected: yes.
Comment: PM2